The following is an entry in ClinVar:

ClinVar aggregate classification (germline): Conflicting classifications of pathogenicity. Review status: criteria provided, conflicting classifications (1 of 4 stars). 7 submissions from 7 submitters: Uncertain significance (1); Benign (1); Likely benign (4). 1 of the submissions does not count toward it. Last evaluated 2025-12-01.

Conditions:
GRN-related disorder. Also called: GRN-related disorders; GRN-related condition.
Neuronal ceroid lipofuscinosis 11. Also called: GRN-Related Neuronal Ceroid-Lipofuscinosis. Identifiers: Orphanet 314629, Orphanet 79262, MedGen C3539123, MONDO:0013866, OMIM 614706.
GRN-related frontotemporal lobar degeneration with Tdp43 inclusions (FTD2). Also called: FTLD-TDP, GRN-RELATED; FRONTOTEMPORAL DEMENTIA WITH TDP43 INCLUSIONS, GRN-RELATED; GRN Frontotemporal Dementia; DEMENTIA, HEREDITARY DYSPHASIC DISINHIBITION; FRONTOTEMPORAL LOBAR DEGENERATION WITH UBIQUITIN-POSITIVE INCLUSIONS. Identifiers: Orphanet 100070, Orphanet 282, MedGen C1843792, MONDO:0011842, OMIM 607485. Disease mechanism: loss of function.
Inborn genetic diseases. Identifiers: MedGen C0950123, MeSH D030342.

Allele frequency attached by ClinVar (database versions not stated): ESP Exome Variant Server 0.00008; gnomAD 0.00008 and 0.00019; TOPMed 0.00008; 1000 Genomes Project 30x 0.00016; 1000 Genomes Project 0.00020; gnomAD exomes 0.00022 and 0.00044; ExAC 0.00052.
gnomAD v4.1: 355 of 1,614,030 alleles (0.022%); highest among the groups gnomAD compares: South Asian, 0.32%; 2 homozygotes.

Submissions (7):

CeGaT Center for Human Genetics Tuebingen
Classification: Likely benign. Last evaluated: 2025-12-01. Review status: criteria provided, single submitter. Criteria: CeGaT Center For Human Genetics Tuebingen Variant Classification Criteria Version 2. Collection method: clinical testing. Allele origin: germline. Affected: yes. Observed: 1 variant allele.
Comment: GRN: BP4, BS1

Labcorp Genetics (formerly Invitae), Labcorp
Classification: Likely benign for Neuronal ceroid lipofuscinosis 11; GRN-related frontotemporal lobar degeneration with Tdp43 inclusions. Last evaluated: 2025-11-16. Review status: criteria provided, single submitter. Criteria: Invitae Variant Classification Sherloc (09022015). Collection method: clinical testing. Allele origin: germline.

Blueprint Genetics
Classification: Likely benign. Last evaluated: 2024-10-01. Review status: criteria provided, single submitter. Criteria: ACMG Guidelines, 2015. Collection method: clinical testing. Allele origin: germline.

Fulgent Genetics
Classification: Likely benign for GRN-related frontotemporal lobar degeneration with Tdp43 inclusions; Neuronal ceroid lipofuscinosis 11. Last evaluated: 2022-02-08. Review status: criteria provided, single submitter. Criteria: ACMG Guidelines, 2015. Collection method: clinical testing. Allele origin: unknown.

Ambry Genetics
Classification: Uncertain significance for Inborn genetic diseases. Last evaluated: 2018-08-09. Review status: criteria provided, single submitter. Criteria: Ambry Variant Classification Scheme 2023. Collection method: clinical testing. Allele origin: germline.
Comment: The p.P209L variant (also known as c.626C>T), located in coding exon 6 of the GRN gene, results from a C to T substitution at nucleotide position 626. The proline at codon 209 is replaced by leucine, an amino acid with similar properties. This variant has been detected in a dementia cohort, in an individual with posterior cortical atrophy (Guven G et al. PLoS ONE, 2016 Sep;11:e0162592). This amino acid position is highly conserved in available vertebrate species. In addition, the in silico prediction for this alteration is inconclusive. Since supporting evidence is limited at this time, the clinical significance of this alteration remains unclear.

Illumina Laboratory Services, Illumina
Classification: Benign for GRN-related frontotemporal lobar degeneration with Tdp43 inclusions. Last evaluated: 2017-09-06. Review status: criteria provided, single submitter. Criteria: ICSL Variant Classification Criteria 13 December 2019. Collection method: clinical testing. Allele origin: germline.
Comment: This variant was observed as part of a predisposition screen in an ostensibly healthy population. A literature search was performed for the gene, cDNA change, and amino acid change (where applicable). Publications were found based on this search. The evidence from the literature, in combination with allele frequency data from public databases where available, was sufficient to rule this variant out of causing disease. Therefore, this variant is classified as benign.

PreventionGenetics, part of Exact Sciences
Classification: Likely benign for GRN-related condition. Last evaluated: 2023-12-07. Review status: no assertion criteria provided. Collection method: clinical testing. Allele origin: germline. Not counted in ClinVar's aggregate classification.
Comment: This variant is classified as likely benign based on ACMG/AMP sequence variant interpretation guidelines (Richards et al. 2015 PMID: 25741868, with internal and published modifications).

Literature cited by the submitters: PubMed 27632209 (cited by Ambry Genetics and Illumina Laboratory Services, Illumina).

NM_002087.4(GRN):c.626C>T (p.Pro209Leu)

Gene: GRN (granulin precursor; plus strand). Cytogenetic location: 17q21.31.
Variant type: single nucleotide variant.
Coding change: c.626C>T on transcript NM_002087.4 (MANE Select); coding-DNA position 626, C replaced by T.
Protein change: p.Pro209Leu; replaces proline 209 with leucine.
Molecular consequence: missense variant.
Genome position (GRCh38, 1-based): chr17:44,350,718, C>T. VCF-style: chr17-44350718-C-T. GRCh37 (hg19) VCF-style: chr17-42428086-C-T.
Other names: c.626C>T (NM_002087.3); short protein forms P209L.
Identifiers: ClinVar variation 890943 (VCV000890943.25), dbSNP rs368995988, ClinGen allele CA8601958.
Genomic context (GRCh38, chr17:44,350,718, plus strand): 5'-CCTGGCTGCCCCTCACGTTTGCTCCTCTTCCAGTGGCCTTGTCCAGCTCGGTCATGTGTC[C>T]GGACGCACGGTCCCGGTGCCCTGATGGTTCTACCTGCTGTGAGCTGCCCAGTGGGAAGTA-3'
Protein context (NP_002078.1, residues 199-219): AVALSSSVMC[Pro209Leu]DARSRCPDGS